The following is an entry in ClinVar:

ClinVar aggregate classification (germline): Uncertain significance (1 of 4 stars; one submission).

Conditions:
Alstrom syndrome (ALMS). Identifiers: Orphanet 64, MedGen C0268425, MONDO:0008763, OMIM 203800.

Submission:

Labcorp Genetics (formerly Invitae), Labcorp
Classification: Uncertain significance for Alstrom syndrome. Last evaluated: 2022-09-06. Review status: criteria provided, single submitter. Criteria: Invitae Variant Classification Sherloc (09022015). Collection method: clinical testing. Allele origin: germline.
Comment: This sequence change replaces leucine, which is neutral and non-polar, with valine, which is neutral and non-polar, at codon 2081 of the ALMS1 protein (p.Leu2081Val). This variant is not present in population databases (gnomAD no frequency). This variant has not been reported in the literature in individuals affected with ALMS1-related conditions. Experimental studies and prediction algorithms are not available or were not evaluated, and the functional significance of this variant is currently unknown. In summary, the available evidence is currently insufficient to determine the role of this variant in disease. Therefore, it has been classified as a Variant of Uncertain Significance.

NM_001378454.1(ALMS1):c.6238C>G (p.Leu2080Val)

Gene: ALMS1 (ALMS1 centrosome and basal body associated protein; plus strand). Cytogenetic location: 2p13.1.
Variant type: single nucleotide variant.
Coding change: c.6238C>G on transcript NM_001378454.1 (MANE Select); coding-DNA position 6238, C replaced by G.
Protein change: p.Leu2080Val; replaces leucine 2080 with valine.
Molecular consequence: missense variant.
Genome position (GRCh38, 1-based): chr2:73,452,765, C>G. VCF-style: chr2-73452765-C-G. GRCh37 (hg19) VCF-style: chr2-73679892-C-G.
Other names: c.6241C>G, p.Leu2081Val (NM_015120.4); short protein forms L2080V, L2081V.
Identifiers: ClinVar variation 2428288 (VCV002428288.3), dbSNP rs2466108506, ClinGen allele CA347285390.
Genomic context (GRCh38, chr2:73,452,765, plus strand): 5'-CAGCAGTTGCCAGATAGAGATCAAAGTAAAGGTATTCTAAAGATTTCAGCTGTCCCTGAA[C>G]TAACTGATGTGAATACTGGAAAACCAGTATCTCTCTCTAGTTCTTATTTTCACAGAGAGA-3'
Protein context (NP_001365383.1, residues 2070-2090): GILKISAVPE[Leu2080Val]TDVNTGKPVS